The following is an entry in ClinVar:

ClinVar aggregate classification (germline): Uncertain significance (1 of 4 stars; one submission).

Conditions:
Nemaline myopathy 2 (NEM2). Also called: Nemaline myopathy 2, autosomal recessive. Identifiers: MedGen C1850569, MONDO:0009725, OMIM 256030.

gnomAD v4.1: 1 of 1,545,432 alleles (0.000065%); highest among the groups gnomAD compares: South Asian, 0.0012%; no homozygotes.

Submission:

Labcorp Genetics (formerly Invitae), Labcorp
Classification: Uncertain significance for Nemaline myopathy 2. Last evaluated: 2023-05-23. Review status: criteria provided, single submitter. Criteria: Invitae Variant Classification Sherloc (09022015). Collection method: clinical testing. Allele origin: germline.
Comment: Experimental studies and prediction algorithms are not available or were not evaluated, and the functional significance of this variant is currently unknown. In summary, the available evidence is currently insufficient to determine the role of this variant in disease. Therefore, it has been classified as a Variant of Uncertain Significance. ClinVar contains an entry for this variant (Variation ID: 1471982). This variant has not been reported in the literature in individuals affected with NEB-related conditions. This variant is not present in population databases (gnomAD no frequency). This sequence change replaces proline, which is neutral and non-polar, with arginine, which is basic and polar, at codon 8059 of the NEB protein (p.Pro8059Arg).

NM_001164508.2(NEB):c.24071C>G (p.Pro8024Arg)

Genes: NEB (nebulin; minus strand), RIF1 (replication timing regulatory factor 1; plus strand). Cytogenetic location: 2q23.3.
Variant type: single nucleotide variant.
Coding change: c.24071C>G on transcript NM_001164508.2 (MANE Select); coding-DNA position 24071, C replaced by G.
Protein change: p.Pro8024Arg; replaces proline 8024 with arginine.
Molecular consequence: missense variant. On other transcripts: intron variant (1).
Genome position (GRCh38, 1-based): chr2:151,499,341, G>C on the plus strand (C>G on the coding strand, the complement: NEB is on the minus strand). VCF-style: chr2-151499341-G-C. GRCh37 (hg19) VCF-style: chr2-152355855-G-C.
Other names: c.24071C>G, p.Pro8024Arg (NM_001164507.2); c.24176C>G, p.Pro8059Arg (NM_001271208.2); c.18826-2973C>G (NM_004543.5); short protein forms P8024R, P8059R.
Identifiers: ClinVar variation 1471982 (VCV001471982.6), dbSNP rs2153021543, ClinGen allele CA348779480.
Genomic context (GRCh38, chr2:151,499,341, plus strand): 5'-TTTTTATTTTTAAATACCGAACTAAAGTTTTCTTGATTGTGTTTGACTCTCTCCATCTCT[G>C]GAGTGATGGGGATTGGAATCCCTTTTCCAACGTTTTCTTTATACAACACCTGTATGACAC-3'
Protein context (NP_001157980.2, residues 8014-8034): VGKGIPIPIT[Pro8024Arg]EMERVKHNQE